The following is an entry in ClinVar:

NM_000868.4(HTR2C):c.68= (p.Ser23=)

Gene: HTR2C (5-hydroxytryptamine receptor 2C; plus strand). Cytogenetic location: Xq23.
Variant type: single nucleotide variant.
Coding change: c.68= on transcript NM_000868.4 (MANE Select); coding-DNA position 68, no change from the reference sequence.
Protein change: p.Ser23=; no amino-acid change (serine 23 retained).
Molecular consequence: no sequence alteration.
Genome position: GRCh38 VCF-style: chrX-114731326-C-C. GRCh37 (hg19) VCF-style: chrX-113965735-G-C.
Other names: c.68=, p.Ser23= (NM_001256760.3, NM_001256761.3); short protein forms C23S.
Identifiers: ClinVar variation 9885 (VCV000009885.6), dbSNP rs6318.

ClinVar aggregate classification (germline): Benign. Review status: criteria provided, multiple submitters, no conflicts (2 of 4 stars). 4 submissions from 4 submitters: Benign (2). 2 of the submissions do not count toward it. Last evaluated 2018-03-14.

Conditions:
HTR2C POLYMORPHISM.
HTR2C-related disorder. Also called: HTR2C-related condition.

Allele frequency attached by ClinVar (database versions not stated): 1000 Genomes Project 30x 0.16961; TOPMed 0.21186.

Submissions (4):

GeneDx
Classification: Benign. Last evaluated: 2018-03-14. Review status: criteria provided, single submitter. Criteria: GeneDx Variant Classification (06012015). Collection method: clinical testing. Allele origin: germline. Affected: yes.
Comment: This variant is considered likely benign or benign based on one or more of the following criteria: it is a conservative change, it occurs at a poorly conserved position in the protein, it is predicted to be benign by multiple in silico algorithms, and/or has population frequency not consistent with disease.

Breakthrough Genomics
Classification: Benign. Review status: criteria provided, single submitter. Criteria: ACMG Guidelines, 2015. Collection method: not provided. Allele origin: germline. Inheritance: Unknown mechanism. Affected: yes.

PreventionGenetics, part of Exact Sciences
Classification: Benign for HTR2C-related condition. Last evaluated: 2022-08-19. Review status: no assertion criteria provided. Collection method: clinical testing. Allele origin: germline. Not counted in ClinVar's aggregate classification.
Comment: This variant is classified as benign based on ACMG/AMP sequence variant interpretation guidelines (Richards et al. 2015 PMID: 25741868, with internal and published modifications).

OMIM
Classification: Benign for HTR2C POLYMORPHISM. Last evaluated: 1995-05-20. Review status: no assertion criteria provided. Collection method: literature only. Allele origin: germline. Not counted in ClinVar's aggregate classification.

Literature cited by the submitters: PubMed 7557992 (cited by OMIM).